The following is an entry in ClinVar:

ClinVar aggregate classification (germline): Likely benign. Review status: criteria provided, multiple submitters, no conflicts (2 of 4 stars). 3 submissions from 3 submitters: Likely benign (2). 1 of the submissions does not count toward it. Last evaluated 2026-06-01.

Conditions:
ATP1A3-related disorder. Also called: ATP1A3-related disorders; ATP1A3-related condition. Identifiers: MedGen CN381097.
Dystonia 12 (DYT12). Also called: Rapid-Onset Dystonia-Parkinsonism (RDP); DYT-ATP1A3. Identifiers: Orphanet 71517, MedGen C1868681, MONDO:0007496, OMIM 128235.

Allele frequency attached by ClinVar (database versions not stated): 1000 Genomes Project 30x 0.00016; 1000 Genomes Project 0.00020.
gnomAD v4.1: 46 of 1,614,106 alleles (0.0028%); highest among the groups gnomAD compares: South Asian, 0.018%; no homozygotes.

Submissions (3):

CeGaT Center for Human Genetics Tuebingen
Classification: Likely benign. Last evaluated: 2026-06-01. Review status: criteria provided, single submitter. Criteria: CeGaT Center For Human Genetics Tuebingen Variant Classification Criteria Version 2. Collection method: clinical testing. Allele origin: germline. Affected: yes. Observed: 2 variant alleles.
Comment: ATP1A3: BP4

Labcorp Genetics (formerly Invitae), Labcorp
Classification: Likely benign for Dystonia 12. Last evaluated: 2025-10-16. Review status: criteria provided, single submitter. Criteria: Invitae Variant Classification Sherloc (09022015). Collection method: clinical testing. Allele origin: germline.

PreventionGenetics, part of Exact Sciences
Classification: Likely benign for ATP1A3-related condition. Last evaluated: 2020-05-21. Review status: no assertion criteria provided. Collection method: clinical testing. Allele origin: germline. Not counted in ClinVar's aggregate classification.
Comment: This variant is classified as likely benign based on ACMG/AMP sequence variant interpretation guidelines (Richards et al. 2015 PMID: 25741868, with internal and published modifications).

NM_152296.5(ATP1A3):c.7-4G>A

Gene: ATP1A3 (ATPase Na+/K+ transporting subunit alpha 3; minus strand). Cytogenetic location: 19q13.2.
Variant type: single nucleotide variant.
Coding change: c.7-4G>A on transcript NM_152296.5 (MANE Select); 4 bases into the intron before coding-DNA position 7, G replaced by A.
Molecular consequence: intron variant. On other transcripts: synonymous variant (1).
Genome position (GRCh38, 1-based): chr19:41,988,566, C>T on the plus strand (G>A on the coding strand, the complement: ATP1A3 is on the minus strand). VCF-style: chr19-41988566-C-T. GRCh37 (hg19) VCF-style: chr19-42492718-C-T.
Other names: c.42G>A (NM_001256214.1); c.42G>A, p.Ser14= (NM_001256214.2); c.40-4G>A (NM_001256213.2).
Identifiers: ClinVar variation 720527 (VCV000720527.41), dbSNP rs375990668, ClinGen allele CA9467988.